The following is an entry in ClinVar:

ClinVar aggregate classification (germline): Uncertain significance (1 of 4 stars; one submission).

Conditions:
Andersen Tawil syndrome (LQT7). Also called: Andersen Syndrome; Potassium-sensitive periodic paralysis, ventricular ectopy, and dysmorphic features; LONG QT SYNDROME 7; PERIODIC PARALYSIS, POTASSIUM-SENSITIVE CARDIODYSRHYTHMIC TYPE; ANDERSEN CARDIODYSRHYTHMIC PERIODIC PARALYSIS. Identifiers: Orphanet 37553, MedGen C1563715, MONDO:0008222, OMIM 170390.
Short QT syndrome type 3. Identifiers: Orphanet 51083, MedGen C1865018, MONDO:0012314, OMIM 609622.

Submission:

Labcorp Genetics (formerly Invitae), Labcorp
Classification: Uncertain significance for Short QT syndrome type 3; Andersen Tawil syndrome. Last evaluated: 2021-12-24. Review status: criteria provided, single submitter. Criteria: Invitae Variant Classification Sherloc (09022015). Collection method: clinical testing. Allele origin: germline.
Comment: This sequence change disrupts the translational stop signal of the KCNJ2 mRNA. It is expected to extend the length of the KCNJ2 protein by 26 additional amino acid residues. This variant is not present in population databases (gnomAD no frequency). This variant has not been reported in the literature in individuals affected with KCNJ2-related conditions. In summary, the available evidence is currently insufficient to determine the role of this variant in disease. Therefore, it has been classified as a Variant of Uncertain Significance.

NM_000891.3(KCNJ2):c.1284A>G (p.Ter428Trp)

Gene: KCNJ2 (potassium inwardly rectifying channel subfamily J member 2; plus strand). Cytogenetic location: 17q24.3.
Variant type: single nucleotide variant.
Coding change: c.1284A>G on transcript NM_000891.3 (MANE Select); coding-DNA position 1284, A replaced by G.
Protein change: p.Ter428Trp.
Molecular consequence: stop lost.
Genome position (GRCh38, 1-based): chr17:70,176,323, A>G. VCF-style: chr17-70176323-A-G. GRCh37 (hg19) VCF-style: chr17-68172464-A-G.
Identifiers: ClinVar variation 2056630 (VCV002056630.4), dbSNP rs2509921928, ClinGen allele CA400864333.